The following is an entry in ClinVar:

NM_002448.3(MSX1):c.365dup (p.Leu123fs)

Gene: MSX1 (msh homeobox 1; plus strand). Cytogenetic location: 4p16.2.
Variant type: Duplication.
Coding change: c.365dup on transcript NM_002448.3 (MANE Select); coding-DNA position 365, one base duplicated (G; older notation c.365dupG).
Protein change: p.Leu123fs; shifts the reading frame from leucine 123.
Molecular consequence: frameshift variant.
Genome position (GRCh38, 1-based): chr4:4,860,264, G duplicated; the last of 6 consecutive G bases (chr4:4,860,259-4,860,264); duplicating any one gives the same sequence. VCF-style (leftmost placement, unchanged base first): chr4-4860258-T-TG. GRCh37 (hg19) VCF-style: chr4-4861985-T-TG.
Other names: c.365dupG (NM_002448.3); short protein forms L123fs.
Identifiers: ClinVar variation 3687322 (VCV003687322.4).

ClinVar aggregate classification (germline): Pathogenic/Likely pathogenic. Review status: criteria provided, multiple submitters, no conflicts (2 of 4 stars). 3 submissions from 3 submitters: Pathogenic (2); Likely pathogenic (1). Last evaluated 2026-02-04.

Conditions:
MSX1-related disorder. Also called: MSX1-related condition.
Hypoplastic enamel-onycholysis-hypohidrosis syndrome (TNS). Also called: Tooth-and-Nail Syndrome; ECTODERMAL DYSPLASIA 3, TOOTH/NAIL TYPE; WITKOP SYNDROME; NAIL DYSPLASIA WITH HYPODONTIA; ECTODERMAL DYSPLASIA 3, WITKOP TYPE. Identifiers: Orphanet 2228, MedGen C0406735, MONDO:0008582, OMIM 189500.

Submissions (3):

GeneDx
Classification: Likely pathogenic. Last evaluated: 2026-02-04. Review status: criteria provided, single submitter. Criteria: GeneDx Variant Classification Process June 2021. Collection method: clinical testing. Allele origin: germline.
Comment: Reported in the published literature in a proband with non-syndromic tooth agenesis; however, detailed clinical information was not provided (PMID: 36294409); Frameshift variant predicted to result in abnormal protein length as the last 181 amino acids are replaced with 51 different amino acids, and other similar variants have been reported in HGMD; Not observed at significant frequency in large population cohorts (gnomAD); This variant is associated with the following publications: (PMID: 36294409)

PreventionGenetics, part of Exact Sciences
Classification: Pathogenic for MSX1-related condition. Last evaluated: 2025-08-13. Review status: criteria provided, single submitter. Criteria: ACMG Guidelines, 2015. Collection method: clinical testing. Allele origin: germline.
Comment: The MSX1 c.365dupG variant is predicted to result in a frameshift and premature protein termination (p.Leu123Thrfs*52). This variant was reported in an individual with non-syndromic tooth agenesis (Biedziak et al. 2022. PubMed ID: 36294409). This variant is absent from a large population database (gnomAD), indicating that it is rare. Frameshift variants in MSX1 are expected to be pathogenic. This variant is interpreted as pathogenic.

Labcorp Genetics (formerly Invitae), Labcorp
Classification: Pathogenic for Hypoplastic enamel-onycholysis-hypohidrosis syndrome. Last evaluated: 2024-06-25. Review status: criteria provided, single submitter. Criteria: Invitae Variant Classification Sherloc (09022015). Collection method: clinical testing. Allele origin: germline.
Comment: This sequence change creates a premature translational stop signal (p.Leu123Thrfs*52) in the MSX1 gene. While this is not anticipated to result in nonsense mediated decay, it is expected to disrupt the last 181 amino acid(s) of the MSX1 protein. This variant is not present in population databases (gnomAD no frequency). This premature translational stop signal has been observed in individual(s) with non-syndromic tooth agenesis (PMID: 36294409). This variant disrupts a region of the MSX1 protein in which other variant(s) (p.Glu204*) have been determined to be pathogenic (PMID: 30192788; Invitae). This suggests that this is a clinically significant region of the protein, and that variants that disrupt it are likely to be disease-causing. For these reasons, this variant has been classified as Pathogenic.

Literature cited by the submitters: PubMed 36294409 (cited by Labcorp Genetics (formerly Invitae), Labcorp); PubMed 30192788 (cited by Labcorp Genetics (formerly Invitae), Labcorp).